The following is an entry in ClinVar:

NM_000353.3(TAT):c.512_518dup (p.Lys173fs)

Genes: TAT (tyrosine aminotransferase; minus strand), LOC111413029 (BRD4-independent group 4 enhancer GRCh37_chr16:71605697-71606896; plus strand). Cytogenetic location: 16q22.2.
Variant type: Duplication.
Coding change: c.512_518dup on transcript NM_000353.3 (MANE Select); coding-DNA positions 512 to 518, 7 bases duplicated (TCTACAA; older notation c.512_518dupTCTACAA).
Protein change: p.Lys173fs; shifts the reading frame from lysine 173.
Molecular consequence: frameshift variant.
Genome position (GRCh38, 1-based): chr16:71,572,579-71,572,585, TTGTAGA duplicated on the plus strand (TCTACAA on the coding strand, the reverse complement: TAT is on the minus strand). VCF-style (leftmost placement, unchanged base first): chr16-71572578-C-CTTGTAGA. GRCh37 (hg19) VCF-style: chr16-71606481-C-CTTGTAGA.
Other names: short protein forms K173fs.
Identifiers: ClinVar variation 5013968 (VCV005013968.1).

ClinVar aggregate classification (germline): Pathogenic (1 of 4 stars; one submission).

Conditions:
Tyrosinemia type II (TYRSN2). Also called: KERATOSIS PALMOPLANTARIS WITH CORNEAL DYSTROPHY; OREGON TYPE TYROSINEMIA; TAT DEFICIENCY; TYROSINE AMINOTRANSFERASE DEFICIENCY; TYROSINE TRANSAMINASE DEFICIENCY. Identifiers: Orphanet 28378, MedGen C0268487, MONDO:0010160, OMIM 276600.

Submission:

Myriad Genetics, Inc.
Classification: Pathogenic for Tyrosinemia type II. Last evaluated: 2025-01-14. Review status: criteria provided, single submitter. Criteria: Myriad Autosomal Dominant, Autosomal Recessive and X-Linked Classification Criteria (2023). Collection method: clinical testing. Allele origin: unknown.
Comment: NM_000353.2(TAT):c.512_518dup7(K173Nfs*7) is expected to be pathogenic in the context of tyrosinemia type II. This variant is predicted to lead to an abnormal or absent protein product due to the creation of a premature termination codon in TAT, a gene where loss-of-function variants are known to be pathogenic. Please note: this variant was assessed in the context of healthy population screening.